The following is an entry in ClinVar:

NM_001039141.3(TRIOBP):c.5322+5299G>A

Gene: TRIOBP (TRIO and F-actin binding protein; plus strand). Cytogenetic location: 22q13.1.
Variant type: single nucleotide variant.
Coding change: c.5322+5299G>A on transcript NM_001039141.3 (MANE Select); 5299 bases into the intron after coding-DNA position 5322, G replaced by A.
Molecular consequence: intron variant. On other transcripts: missense variant (2).
Genome position (GRCh38, 1-based): chr22:37,746,331, G>A. VCF-style: chr22-37746331-G-A. GRCh37 (hg19) VCF-style: chr22-38142338-G-A.
Other names: c.94G>A, p.Gly32Ser (NM_007032.5, NM_138632.2); short protein forms G32S.
Identifiers: ClinVar variation 4947834 (VCV004947834.2).

ClinVar aggregate classification (germline): Conflicting classifications of pathogenicity. Review status: criteria provided, conflicting classifications (1 of 4 stars). 2 submissions from 2 submitters: Uncertain significance (1); Likely benign (1). Last evaluated 2024-12-06.

Conditions:
TRIOBP-related disorder. Also called: TRIOBP-related condition.

gnomAD v4.1: 67 of 1,158,124 alleles (0.0058%); highest among the groups gnomAD compares: Admixed American, 0.047%; 1 homozygote.

Submissions (2):

PreventionGenetics, part of Exact Sciences
Classification: Likely benign for TRIOBP-related condition. Last evaluated: 2024-12-06. Review status: criteria provided, single submitter. Criteria: ACMG Guidelines, 2015. Collection method: clinical testing. Allele origin: germline.
Comment: This variant is classified as likely benign based on ACMG/AMP sequence variant interpretation guidelines (Richards et al. 2015 PMID: 25741868, with internal and published modifications).

Blueprint Genetics
Classification: Uncertain significance. Last evaluated: 2022-04-25. Review status: criteria provided, single submitter. Criteria: ACMG Guidelines, 2015. Collection method: clinical testing. Allele origin: germline.